The following is an entry in ClinVar:

ClinVar aggregate classification (germline): Pathogenic/Likely pathogenic. Review status: criteria provided, multiple submitters, no conflicts (2 of 4 stars). 14 submissions from 14 submitters: Pathogenic (9); Likely pathogenic (3). 2 of the submissions do not count toward it. Last evaluated 2026-02-14.

Conditions:
ABCA4-related disorder. Also called: ABCA4-related condition; ABCA4-related disorders. Identifiers: MedGen CN239167.
Cone-rod dystrophy 3 (CORD3). Identifiers: Orphanet 1872, MedGen C1858806, MONDO:0011395, OMIM 604116.
Age related macular degeneration 2. Also called: MACULAR DEGENERATION, SENILE; MACULOPATHY, AGE-RELATED, 2; MACULOPATHY, AGE-RELATED. Identifiers: MedGen C3495438, MONDO:0007932, OMIM 153800.
Retinitis pigmentosa 19 (RP19). Also called: ABCA4-Related Retinitis Pigmentosa. Identifiers: Orphanet 791, MedGen C1866422, MONDO:0011137, OMIM 601718.
Severe early-childhood-onset retinal dystrophy (STGD1). Also called: MACULAR DYSTROPHY WITH FLECKS, TYPE 1; STGD; Stargardt disease 1; Stargardt macular dystrophy; Juvenile onset macular degeneration. Identifiers: Orphanet 364055, Orphanet 827, MedGen C1855465, MeSH D000080362, MONDO:0009549, OMIM 248200.
Retinal dystrophy. Also called: Inherited retinal dystrophy. Identifiers: Orphanet 71862, MedGen C0854723, MeSH D058499, MONDO:0019118, HP:0000556.
Stargardt disease 3. Also called: MACULAR DYSTROPHY WITH FLECKS, TYPE 3; STARGARDT-LIKE MACULAR DYSTROPHY, AUTOSOMAL DOMINANT. Identifiers: Orphanet 827, MedGen C1838644, MONDO:0010819, OMIM 600110.
Retinal disorder. Also called: Retinopathy; Retinopathies; Retinal Diseases; Retinal disorders. Identifiers: MedGen C0035309, MONDO:0005283, HP:0000488.

Allele frequency attached by ClinVar (database versions not stated): TOPMed 0.00001; gnomAD 0.00001; gnomAD exomes below 0.00001; ExAC 0.00001.
gnomAD v4.1: 33 of 1,613,974 alleles (0.002%); highest among the groups gnomAD compares: Non-Finnish European, 0.0026%; no homozygotes.

Submissions (14):

PreventionGenetics, part of Exact Sciences
Classification: Pathogenic for ABCA4-related condition. Last evaluated: 2026-02-14. Review status: criteria provided, single submitter. Criteria: ACMG Guidelines, 2015. Collection method: clinical testing. Allele origin: germline.
Comment: The ABCA4 c.1648G>A variant is predicted to result in the amino acid substitution p.Gly550Arg. This variant has been reported many times as causative for autosomal recessive retinal dystrophy (see for examples: Shroyer et al. 2001. PubMed ID: 11726554; Bertelsen et al. 2014. PubMed ID: 24713488; Table S1 in Stone. 2017. PubMed ID: 28559085; Zhu et al. 2021. PubMed ID: 33732702; Table S1, Lin et al. 2024. PubMed ID: 38219857). This variant is present in 0.0033% of alleles in individuals of South Asian descent in gnomAD. This variant has been classified as pathogenic by multiple independent submitters to the ClinVar database (Variation ID: 99070). Given the evidence, we interpret this variant as pathogenic.

Genetics Laboratory, Great Ormond Street Hospital NHS Foundation Trust, North Thames Genomic Laboratory Hub
Classification: Pathogenic for Retinal disorders. Last evaluated: 2026-01-14. Review status: criteria provided, single submitter. Criteria: ACGS Best Practice Guidelines for Variant Classification in Rare Disease 2024 v1.2. Collection method: clinical testing. Allele origin: germline. Affected: yes.
Comment: PM2_moderate, PP3_supporting, PM3_very-strong

Labcorp Genetics (formerly Invitae), Labcorp
Classification: Pathogenic. Last evaluated: 2025-12-27. Review status: criteria provided, single submitter. Criteria: Invitae Variant Classification Sherloc (09022015). Collection method: clinical testing. Allele origin: germline.
Comment: This sequence change replaces glycine, which is neutral and non-polar, with arginine, which is basic and polar, at codon 550 of the ABCA4 protein (p.Gly550Arg). This variant is present in population databases (rs61748558, gnomAD 0.003%). This missense change has been observed in individual(s) with Stargardt disease (PMID: 11726554, 28559085, 29925512). In at least one individual the data is consistent with being in trans (on the opposite chromosome) from a pathogenic variant. ClinVar contains an entry for this variant (Variation ID: 99070). Invitae Evidence Modeling of protein sequence and biophysical properties (such as structural, functional, and spatial information, amino acid conservation, physicochemical variation, residue mobility, and thermodynamic stability) indicates that this missense variant is expected to disrupt ABCA4 protein function with a positive predictive value of 95%. For these reasons, this variant has been classified as Pathogenic.

Dasa
Classification: Pathogenic. Last evaluated: 2025-12-05. Review status: criteria provided, single submitter. Criteria: DASA Assertion Criteria. Collection method: clinical testing. Allele origin: germline.
Comment: NM_000350.3(ABCA4):c.1648G>A (p.Gly550Arg) is a missense variant that results in the substitution of glycine with arginine. Multiple computational predictions support a deleterious effect on the gene or gene product. The variant is present at low frequency in population datasets. Based on the available data, this variant is classified as pathogenic.

Blueprint Genetics
Classification: Pathogenic for ABCA4-related disorders. Last evaluated: 2024-10-18. Review status: criteria provided, single submitter. Criteria: ACMG Guidelines, 2015. Collection method: clinical testing. Allele origin: germline. Affected: yes. Observed: 5 variant alleles.

Fulgent Genetics
Classification: Likely pathogenic for Age related macular degeneration 2; Severe early-childhood-onset retinal dystrophy; Retinitis pigmentosa 19; Cone-rod dystrophy 3. Last evaluated: 2024-04-02. Review status: criteria provided, single submitter. Criteria: ACMG Guidelines, 2015. Collection method: clinical testing. Allele origin: germline.

GeneDx
Classification: Pathogenic. Last evaluated: 2021-11-10. Review status: criteria provided, single submitter. Criteria: GeneDx Variant Classification Process June 2021. Collection method: clinical testing. Allele origin: germline. Affected: yes.
Comment: Not observed at significant frequency in large population cohorts (gnomAD); In silico analysis supports that this missense variant has a deleterious effect on protein structure/function; This variant is associated with the following publications: (PMID: 24713488, 17982420, 22229821, 28559085, 30093795, 31589614, 33732702, 22264887, 24317291, 32619608, 31968401, 11726554, 11527935, 15192030, 33090715, 29925512)

Institute of Medical Genetics and Applied Genomics, University Hospital Tübingen
Classification: Pathogenic. Last evaluated: 2020-10-23. Review status: criteria provided, single submitter. Criteria: ACMG Guidelines, 2015. Collection method: clinical testing. Allele origin: germline. Inheritance: Autosomal recessive inheritance. Affected: yes.

The Cell Therapy Center, The University of Jordan
Classification: Pathogenic for Cone-rod dystrophy 3. Last evaluated: 2019-03-15. Review status: criteria provided, single submitter. Criteria: ACMG Guidelines, 2015. Collection method: research. Allele origin: germline. Inheritance: Autosomal recessive inheritance. Affected: yes and no. Observed: 3 variant alleles, 1 heterozygote, 2 homozygotes. Clinical features observed: Sectoral retinitis pigmentosa (HP:0031172).
Comment: This variant was classified as pathogenic based on its segregation with the disease, allele frequency, and in-silico tools.

Illumina Laboratory Services, Illumina
Classification: Likely pathogenic for ABCA4-Related Disorders. Last evaluated: 2018-10-25. Review status: criteria provided, single submitter. Criteria: ICSL Variant Classification Criteria 09 May 2019. Collection method: clinical testing. Allele origin: germline.
Comment: The ABCA4 c.1648G>A (p.Gly550Arg) missense variant has been identified in at least seven studies in which it is found in a total of seven individuals including in three in a compound heterozygous state with a known pathogenic variant and four in a heterozygous state with an undetected second allele (Shroyer et al., 2001; Briggs et al., 2001; Stenirri et al., 2004; Thiadens et al 2012; Bertelsen et al. 2014; Fujinami et al., 2015; Salles et al. 2018). Six of these individuals exhibited Stargardt disease and the seventh exhibited generalized choriocapillaris dystrophy. The p.Gly550Arg variant was absent from 100 control chromosomes (Shroyer et al., 2001) and is reported at a frequency of 0.00006 in the South Asian population of the Exome Aggregation Consortium, but this is based on one allele, so the variant is presumed to be rare. Based on the evidence, the p.Gly550Arg variant is classified as likely pathogenic for ABCA4-related disorders. This variant was observed by ICSL as part of a predisposition screen in an ostensibly healthy population.

Molecular Diagnostics Laboratory, M Health Fairview: University of Minnesota
Classification: Likely pathogenic for Retinitis pigmentosa 19. Last evaluated: 2017-08-21. Review status: criteria provided, single submitter. Criteria: ACMG Guidelines, 2015. Collection method: clinical testing. Allele origin: germline. Affected: yes. Observed: 1 variant allele.

Institute of Human Genetics, Univ. Regensburg, Univ. Regensburg
Classification: Pathogenic for Retinal dystrophy. Last evaluated: 2008-01-01. Review status: criteria provided, single submitter. Criteria: ACMG Guidelines, 2015. Collection method: clinical testing. Allele origin: germline. Affected: yes.

Ophthalmo-Genetics Lab, Instituto de Oftalmologia Conde de Valenciana
Classification: Pathogenic for Stargardt disease 3. Review status: no assertion criteria provided. Collection method: research. Allele origin: germline. Inheritance: Autosomal recessive inheritance. Affected: yes. Not counted in ClinVar's aggregate classification.

Retina International
No classification provided. Review status: no classification provided. Collection method: not provided. Allele origin: not provided. Not counted in ClinVar's aggregate classification.

Literature cited by the submitters: PubMed 11726554 (cited by 4 submitters); PubMed 28559085 (cited by Labcorp Genetics (formerly Invitae), Labcorp and Institute of Human Genetics, Univ. Regensburg, Univ. Regensburg); PubMed 29925512 (cited by Labcorp Genetics (formerly Invitae), Labcorp and Institute of Human Genetics, Univ. Regensburg, Univ. Regensburg); PubMed 24713488 (cited by Illumina Laboratory Services, Illumina and Institute of Human Genetics, Univ. Regensburg, Univ. Regensburg); PubMed 11527935 (cited by Illumina Laboratory Services, Illumina); PubMed 15192030 (cited by Illumina Laboratory Services, Illumina); PubMed 22264887 (cited by Illumina Laboratory Services, Illumina and Institute of Human Genetics, Univ. Regensburg, Univ. Regensburg); PubMed 25312043 (cited by Illumina Laboratory Services, Illumina); PubMed 30093795 (cited by Illumina Laboratory Services, Illumina and Institute of Human Genetics, Univ. Regensburg, Univ. Regensburg); PubMed 31589614 (cited by Institute of Human Genetics, Univ. Regensburg, Univ. Regensburg); PubMed 31968401 (cited by Institute of Human Genetics, Univ. Regensburg, Univ. Regensburg); PubMed 32619608 (cited by Institute of Human Genetics, Univ. Regensburg, Univ. Regensburg); PubMed 31964843 (cited by Institute of Human Genetics, Univ. Regensburg, Univ. Regensburg); PubMed 32307445 (cited by Institute of Human Genetics, Univ. Regensburg, Univ. Regensburg); PubMed 33090715 (cited by Institute of Human Genetics, Univ. Regensburg, Univ. Regensburg); PubMed 32531858 (cited by Institute of Human Genetics, Univ. Regensburg, Univ. Regensburg); PubMed 33732702 (cited by Institute of Human Genetics, Univ. Regensburg, Univ. Regensburg); PubMed 35194496 (cited by Institute of Human Genetics, Univ. Regensburg, Univ. Regensburg and Ophthalmo-Genetics Lab, Instituto de Oftalmologia Conde de Valenciana); PubMed 35119454 (cited by Institute of Human Genetics, Univ. Regensburg, Univ. Regensburg).

NM_000350.3(ABCA4):c.1648G>A (p.Gly550Arg)

Gene: ABCA4 (ATP binding cassette subfamily A member 4; minus strand). Cytogenetic location: 1p22.1.
Variant type: single nucleotide variant.
Coding change: c.1648G>A on transcript NM_000350.3 (MANE Select); coding-DNA position 1648, G replaced by A.
Protein change: p.Gly550Arg; replaces glycine 550 with arginine.
Molecular consequence: missense variant.
Genome position (GRCh38, 1-based): chr1:94,063,224, C>T on the plus strand (G>A on the coding strand, the complement: ABCA4 is on the minus strand). VCF-style: chr1-94063224-C-T. GRCh37 (hg19) VCF-style: chr1-94528780-C-T.
Other names: c.1648G>A, p.Gly550Arg (NM_001425324.1); short protein forms G550R.
Identifiers: ClinVar variation 99070 (VCV000099070.28), dbSNP rs61748558, ClinGen allele CA226915.